The following is an entry in ClinVar:

ClinVar aggregate classification (germline): Uncertain significance. Review status: criteria provided, multiple submitters, no conflicts (2 of 4 stars). 2 submissions from 2 submitters: Uncertain significance (2). Last evaluated 2021-04-23.

Allele frequency attached by ClinVar (database versions not stated): gnomAD exomes below 0.00001; ExAC 0.00001.
gnomAD v4.1: 1 of 1,613,386 alleles (0.000062%); highest among the groups gnomAD compares: Non-Finnish European, 0.000085%; no homozygotes.

Submissions (2):

Blueprint Genetics
Classification: Uncertain significance. Last evaluated: 2021-04-23. Review status: criteria provided, single submitter. Criteria: ACMG Guidelines, 2015. Collection method: clinical testing. Allele origin: germline.

GeneDx
Classification: Uncertain significance. Last evaluated: 2021-01-20. Review status: criteria provided, single submitter. Criteria: GeneDx Variant Classification Process June 2021. Collection method: clinical testing. Allele origin: germline. Affected: yes.
Comment: Not observed in large population cohorts (Lek et al., 2016); In silico analysis supports that this missense variant has a deleterious effect on protein structure/function; Has not been previously published as pathogenic or benign to our knowledge

NM_018489.3(ASH1L):c.6217C>T (p.Arg2073Cys)

Gene: ASH1L (ASH1 like histone lysine methyltransferase; minus strand). Cytogenetic location: 1q22.
Variant type: single nucleotide variant.
Coding change: c.6217C>T on transcript NM_018489.3 (MANE Select); coding-DNA position 6217, C replaced by T.
Protein change: p.Arg2073Cys; replaces arginine 2073 with cysteine.
Molecular consequence: missense variant.
Genome position (GRCh38, 1-based): chr1:155,378,509, G>A on the plus strand (C>T on the coding strand, the complement: ASH1L is on the minus strand). VCF-style: chr1-155378509-G-A. GRCh37 (hg19) VCF-style: chr1-155348300-G-A.
Other names: c.6232C>T, p.Arg2078Cys (NM_001366177.2); short protein forms R2073C, R2078C.
Identifiers: ClinVar variation 1316004 (VCV001316004.3), dbSNP rs772388982, ClinGen allele CA1146390.
Genomic context (GRCh38, chr1:155,378,509, plus strand): 5'-CTCAGAAGAACATTAACGTATAGAGGCAGAAAAAATAGCTCCTAAGTTACTCACTTGAAC[G>A]AATTTTCTTATATAGTGGGACATCTGGCTTTTTGTATAGCTAGAAGAAAAGAAGAAAAAT-3'
Protein context (NP_060959.2, residues 2063-2083): KPDVPLYKKI[Arg2073Cys]SNVYVDVKPL